The following is an entry in ClinVar:

ClinVar aggregate classification (germline): Uncertain significance (1 of 4 stars; one submission).

Conditions:
Joubert syndrome 16 (JBTS16). Identifiers: Orphanet 2318, MedGen C3280906, MONDO:0013764, OMIM 614465.

Allele frequency attached by ClinVar (database versions not stated): gnomAD exomes below 0.00001; ExAC 0.00001; gnomAD 0.00001; 1000 Genomes Project 0.00020; 1000 Genomes Project 30x 0.00031.
gnomAD v4.1: 2 of 1,610,874 alleles (0.00012%); highest among the groups gnomAD compares: Admixed American, 0.0034%; no homozygotes.

Submission:

Labcorp Genetics (formerly Invitae), Labcorp
Classification: Uncertain significance for Joubert syndrome 16. Last evaluated: 2025-03-03. Review status: criteria provided, single submitter. Criteria: Invitae Variant Classification Sherloc (09022015). Collection method: clinical testing. Allele origin: germline.
Comment: This sequence change falls in intron 2 of the TMEM138 gene. It does not directly change the encoded amino acid sequence of the TMEM138 protein. It affects a nucleotide within the consensus splice site. This variant is present in population databases (rs554213709, gnomAD 0.003%). This variant has not been reported in the literature in individuals affected with TMEM138-related conditions. ClinVar contains an entry for this variant (Variation ID: 1961844). Variants that disrupt the consensus splice site are a relatively common cause of aberrant splicing (PMID: 17576681, 9536098). Algorithms developed to predict the effect of sequence changes on RNA splicing suggest that this variant is not likely to affect RNA splicing. In summary, the available evidence is currently insufficient to determine the role of this variant in disease. Therefore, it has been classified as a Variant of Uncertain Significance.

Literature cited by the submitters: PubMed 17576681; PubMed 9536098.

NM_016464.5(TMEM138):c.129-3C>T

Gene: TMEM138 (transmembrane protein 138; plus strand). Cytogenetic location: 11q12.2.
Variant type: single nucleotide variant.
Coding change: c.129-3C>T on transcript NM_016464.5 (MANE Select); 3 bases into the intron before coding-DNA position 129, C replaced by T.
Molecular consequence: intron variant.
Genome position (GRCh38, 1-based): chr11:61,366,042, C>T. VCF-style: chr11-61366042-C-T. GRCh37 (hg19) VCF-style: chr11-61133514-C-T.
Other names: c.-46-3C>T (NM_001330281.2).
Identifiers: ClinVar variation 1961844 (VCV001961844.3), dbSNP rs554213709, ClinGen allele CA6034546.